The following is an entry in ClinVar:

ClinVar aggregate classification (germline): Uncertain significance. Review status: criteria provided, single submitter (1 of 4 stars). 2 submissions from 2 submitters: Uncertain significance (1). 1 of the submissions does not count toward it. Last evaluated 2025-01-15.

Conditions:
Agammaglobulinemia 2, autosomal recessive (AGM2). Also called: AGAMMAGLOBULINEMIA, AUTOSOMAL RECESSIVE, DUE TO IGLL1 DEFECT. Identifiers: MedGen C3150750, MONDO:0013287, OMIM 613500.

Allele frequency attached by ClinVar (database versions not stated): gnomAD exomes 0.00001; ExAC 0.00005.
gnomAD v4.1: 5 of 1,562,454 alleles (0.00032%); highest among the groups gnomAD compares: Non-Finnish European, 0.00017%; no homozygotes.

Submissions (3):

Labcorp Genetics (formerly Invitae), Labcorp
Classification: Uncertain significance for Agammaglobulinemia 2, autosomal recessive. Last evaluated: 2025-01-15. Review status: criteria provided, single submitter. Criteria: Invitae Variant Classification Sherloc (09022015). Collection method: clinical testing. Allele origin: germline.
Comment: This sequence change creates a premature translational stop signal (p.Gln22*) in the IGLL1 gene. It is expected to result in an absent or disrupted protein product. However, the current clinical and genetic evidence is not sufficient to establish whether loss-of-function variants in IGLL1 cause disease. The frequency data for this variant in the population databases is considered unreliable, as metrics indicate poor data quality at this position in the gnomAD database. This premature translational stop signal has been observed in individual(s) with hypogammaglobulinemia (PMID: 9419212). ClinVar contains an entry for this variant (Variation ID: 14824). In summary, the available evidence is currently insufficient to determine the role of this variant in disease. Therefore, it has been classified as a Variant of Uncertain Significance.

OMIM
Classification: Pathogenic for AGAMMAGLOBULINEMIA 2, AUTOSOMAL RECESSIVE. Last evaluated: 1998-01-05. Review status: no assertion criteria provided. Collection method: literature only. Allele origin: germline. Not counted in ClinVar's aggregate classification.

Dr. Peter K. Rogan Lab, Western University
No classification provided (evidence only). Condition: Thyroid cancer, nonmedullary, 1. Review status: no classification provided. Collection method: in vitro. Allele origin: not applicable. Functional consequence: retained intron. Not counted in ClinVar's aggregate classification.

Literature cited by the submitters: PubMed 9419212 (cited by Labcorp Genetics (formerly Invitae), Labcorp and OMIM).

NM_020070.4(IGLL1):c.64C>T (p.Gln22Ter)

Gene: IGLL1 (immunoglobulin lambda like polypeptide 1; minus strand). Cytogenetic location: 22q11.23.
Variant type: single nucleotide variant.
Coding change: c.64C>T on transcript NM_020070.4 (MANE Select); coding-DNA position 64, C replaced by T.
Protein change: p.Gln22Ter; replaces glutamine 22 with a stop codon.
Molecular consequence: nonsense.
Genome position (GRCh38, 1-based): chr22:23,580,127, G>A on the plus strand (C>T on the coding strand, the complement: IGLL1 is on the minus strand). VCF-style: chr22-23580127-G-A. GRCh37 (hg19) VCF-style: chr22-23922314-G-A.
Other names: c.64C>T, p.Gln22Ter (NM_001369906.1, NM_152855.3); short protein forms Q22*.
Identifiers: ClinVar variation 14824 (VCV000014824.5), dbSNP rs74315491, ClinGen allele CA124364.